The following is an entry in ClinVar:

NM_032043.3(BRIP1):c.1592T>C (p.Phe531Ser)

Gene: BRIP1 (BRCA1 interacting DNA helicase 1; minus strand). Cytogenetic location: 17q23.2.
Variant type: single nucleotide variant.
Coding change: c.1592T>C on transcript NM_032043.3 (MANE Select); coding-DNA position 1592, T replaced by C.
Protein change: p.Phe531Ser; replaces phenylalanine 531 with serine.
Molecular consequence: missense variant.
Genome position (GRCh38, 1-based): chr17:61,784,306, A>G on the plus strand (T>C on the coding strand, the complement: BRIP1 is on the minus strand). VCF-style: chr17-61784306-A-G. GRCh37 (hg19) VCF-style: chr17-59861667-A-G.
Other names: short protein forms F531S.
Identifiers: ClinVar variation 241627 (VCV000241627.10), dbSNP rs878855139, ClinGen allele CA10583632.

ClinVar aggregate classification (germline): Uncertain significance. Review status: criteria provided, multiple submitters, no conflicts (2 of 4 stars). 2 submissions from 2 submitters: Uncertain significance (2). Last evaluated 2024-10-09.

Conditions:
Hereditary cancer-predisposing syndrome. Also called: Neoplastic Syndromes, Hereditary; Tumor predisposition; Hereditary neoplastic syndrome; Hereditary Cancer Syndrome. Identifiers: Orphanet 140162, MedGen C0027672, MeSH D009386, MONDO:0015356.
Familial cancer of breast. Also called: BREAST CANCER, FAMILIAL; Hereditary breast cancer; hereditary breast carcinoma. Identifiers: Orphanet 227535, MedGen C0346153, MONDO:0016419, OMIM 114480. Disease mechanism: loss of function.
Fanconi anemia complementation group J. Also called: BRIP1-Related Fanconi Anemia. Identifiers: Orphanet 84, MedGen C1836860, MONDO:0012187, OMIM 609054.

Submissions (2):

Ambry Genetics
Classification: Uncertain significance for Hereditary cancer-predisposing syndrome. Last evaluated: 2024-10-09. Review status: criteria provided, single submitter. Criteria: Ambry Variant Classification Scheme 2023. Collection method: clinical testing. Allele origin: germline.
Comment: The p.F531S variant (also known as c.1592T>C), located in coding exon 10 of the BRIP1 gene, results from a T to C substitution at nucleotide position 1592. The phenylalanine at codon 531 is replaced by serine, an amino acid with highly dissimilar properties. This amino acid position is highly conserved in available vertebrate species. In addition, this alteration is predicted to be deleterious by in silico analysis. Based on the available evidence, the clinical significance of this variant remains unclear.

Labcorp Genetics (formerly Invitae), Labcorp
Classification: Uncertain significance for Familial cancer of breast; Fanconi anemia complementation group J. Last evaluated: 2024-04-22. Review status: criteria provided, single submitter. Criteria: Invitae Variant Classification Sherloc (09022015). Collection method: clinical testing. Allele origin: germline.
Comment: This sequence change replaces phenylalanine, which is neutral and non-polar, with serine, which is neutral and polar, at codon 531 of the BRIP1 protein (p.Phe531Ser). This variant is not present in population databases (gnomAD no frequency). This variant has not been reported in the literature in individuals affected with BRIP1-related conditions. ClinVar contains an entry for this variant (Variation ID: 241627). Advanced modeling of protein sequence and biophysical properties (such as structural, functional, and spatial information, amino acid conservation, physicochemical variation, residue mobility, and thermodynamic stability) performed at Invitae indicates that this missense variant is expected to disrupt BRIP1 protein function with a positive predictive value of 80%. In summary, the available evidence is currently insufficient to determine the role of this variant in disease. Therefore, it has been classified as a Variant of Uncertain Significance.